The following is an entry in ClinVar:

NM_004481.5(GALNT2):c.1445G>A (p.Trp482Ter)

Gene: GALNT2 (polypeptide N-acetylgalactosaminyltransferase 2; plus strand). Cytogenetic location: 1q42.13.
Variant type: single nucleotide variant.
Coding change: c.1445G>A on transcript NM_004481.5 (MANE Select); coding-DNA position 1445, G replaced by A.
Protein change: p.Trp482Ter; replaces tryptophan 482 with a stop codon.
Molecular consequence: nonsense.
Genome position (GRCh38, 1-based): chr1:230,274,449, G>A. VCF-style: chr1-230274449-G-A. GRCh37 (hg19) VCF-style: chr1-230410195-G-A.
Other names: c.1331G>A, p.Trp444Ter (NM_001291866.2); short protein forms W444*, W482*.
Identifiers: ClinVar variation 5019556 (VCV005019556.2).

ClinVar aggregate classification (germline): Likely pathogenic (1 of 4 stars; one submission).

Conditions:
Congenital disorder of glycosylation, type iit. Also called: CDG IIt. Identifiers: MedGen C5394387, MONDO:0030043, OMIM 618885.

gnomAD v4.1: 1 of 1,613,260 alleles (0.000062%); highest among the groups gnomAD compares: Non-Finnish European, 0.000085%; no homozygotes.

Submission:

Juno Genomics, Hangzhou Juno Genomics, Inc
Classification: Likely pathogenic for Congenital disorder of glycosylation, type iit. Review status: criteria provided, single submitter. Criteria: ACMG Guidelines, 2015. Collection method: clinical testing. Allele origin: germline.
Comment: Absent from controls (or at extremely low frequency if recessive) in Genome Aggregation Database.;Null variant in a gene where loss of function (LOF) is a known mechanism of disease.